The following is an entry in ClinVar:

ClinVar aggregate classification (germline): Uncertain significance. Review status: criteria provided, multiple submitters, no conflicts (2 of 4 stars). 2 submissions from 2 submitters: Uncertain significance (2). Last evaluated 2025-06-06.

Conditions:
Myasthenic syndrome, congenital, 24, presynaptic. Identifiers: MedGen C4748684, MONDO:0032597, OMIM 618198.
Inborn genetic diseases. Identifiers: MedGen C0950123, MeSH D030342.

Allele frequency attached by ClinVar (database versions not stated): gnomAD exomes below 0.00001; TOPMed 0.00005; gnomAD 0.00004.
gnomAD v4.1: 28 of 1,613,416 alleles (0.0017%); highest among the groups gnomAD compares: African/African-American, 0.016%; no homozygotes.

Submissions (2):

Ambry Genetics
Classification: Uncertain significance for Inborn genetic diseases. Last evaluated: 2025-06-06. Review status: criteria provided, single submitter. Criteria: Ambry Variant Classification Scheme 2023. Collection method: clinical testing. Allele origin: germline.

Baylor Genetics
Classification: Uncertain significance for Myasthenic syndrome, congenital, 24, presynaptic. Last evaluated: 2020-05-05. Review status: criteria provided, single submitter. Criteria: ACMG Guidelines, 2015. Collection method: clinical testing. Allele origin: unknown. Affected: yes.
Comment: This variant was determined to be of uncertain significance according to ACMG Guidelines, 2015 [PMID:25741868].

NM_006901.4(MYO9A):c.5350C>T (p.Pro1784Ser)

Genes: MYO9A (myosin IXA; minus strand), LOC130057457 (ATAC-STARR-seq lymphoblastoid active region 9708; plus strand). Cytogenetic location: 15q23.
Variant type: single nucleotide variant.
Coding change: c.5350C>T on transcript NM_006901.4 (MANE Select); coding-DNA position 5350, C replaced by T.
Protein change: p.Pro1784Ser; replaces proline 1784 with serine.
Molecular consequence: missense variant.
Genome position (GRCh38, 1-based): chr15:71,883,642, G>A on the plus strand (C>T on the coding strand, the complement: MYO9A is on the minus strand). VCF-style: chr15-71883642-G-A. GRCh37 (hg19) VCF-style: chr15-72175983-G-A.
Other names: c.5350C>T (NM_006901.2); short protein forms P1784S.
Identifiers: ClinVar variation 1031103 (VCV001031103.2), dbSNP rs111274636, ClinGen allele CA272602427.